The following is an entry in ClinVar:

NM_198253.3(TERT):c.1447A>G (p.Asn483Asp)

Gene: TERT (telomerase reverse transcriptase; minus strand). Cytogenetic location: 5p15.33.
Variant type: single nucleotide variant.
Coding change: c.1447A>G on transcript NM_198253.3 (MANE Select); coding-DNA position 1447, A replaced by G.
Protein change: p.Asn483Asp; replaces asparagine 483 with aspartic acid.
Molecular consequence: missense variant. On other transcripts: non-coding transcript variant (2).
Genome position (GRCh38, 1-based): chr5:1,293,439, T>C on the plus strand (A>G on the coding strand, the complement: TERT is on the minus strand). VCF-style: chr5-1293439-T-C. GRCh37 (hg19) VCF-style: chr5-1293554-T-C.
Other names: c.1447A>G, p.Asn483Asp (NM_001193376.3); short protein forms N483D.
Identifiers: ClinVar variation 3762924 (VCV003762924.2).
Genomic context (GRCh38, chr5:1,293,439, plus strand): 5'-GCTTGGCATGCTTCCCCAGGGAGATGAACTTCTTGGTGTTCCTGAGGAAGCGGCGTTCGT[T>C]GTGCCTGGAGCCCCAGAGGCCTGGGGGCACCAGCCGGCGCAGGCAGGCCCGCACGAAGCC-3'
Protein context (NP_937983.2, residues 473-493): VPPGLWGSRH[Asn483Asp]ERRFLRNTKK

ClinVar aggregate classification (germline): Uncertain significance (1 of 4 stars; one submission).

Conditions:
Dyskeratosis congenita, autosomal dominant 2. Identifiers: MedGen C3151443, MONDO:0013521, OMIM 613989.
Idiopathic Pulmonary Fibrosis. Also called: Idiopathic fibrosing alveolitis, chronic form; idiopathic fibrosing alveolitis. Identifiers: Orphanet 2032, MedGen C1800706, MeSH D054990, MONDO:0800504.

Submission:

Labcorp Genetics (formerly Invitae), Labcorp
Classification: Uncertain significance for Dyskeratosis congenita, autosomal dominant 2; Idiopathic Pulmonary Fibrosis. Last evaluated: 2025-12-23. Review status: criteria provided, single submitter. Criteria: Invitae Variant Classification Sherloc (09022015). Collection method: clinical testing. Allele origin: germline.
Comment: This sequence change replaces asparagine, which is neutral and polar, with aspartic acid, which is acidic and polar, at codon 483 of the TERT protein (p.Asn483Asp). This variant is not present in population databases (gnomAD no frequency). This missense change has been observed in individual(s) with clinical features of dyskeratosis congenita (PMID: 30523342). ClinVar contains an entry for this variant (Variation ID: 3762924). Invitae Evidence Modeling of protein sequence and biophysical properties (such as structural, functional, and spatial information, amino acid conservation, physicochemical variation, residue mobility, and thermodynamic stability) indicates that this missense variant is expected to disrupt TERT protein function with a positive predictive value of 95%. In summary, the available evidence is currently insufficient to determine the role of this variant in disease. Therefore, it has been classified as a Variant of Uncertain Significance.

Literature cited by the submitters: PubMed 30523342.